The following is an entry in ClinVar:

NM_003482.4(KMT2D):c.10530T>G (p.Tyr3510Ter)

Gene: KMT2D (lysine methyltransferase 2D; minus strand). Cytogenetic location: 12q13.12.
Variant type: single nucleotide variant.
Coding change: c.10530T>G on transcript NM_003482.4 (MANE Select); coding-DNA position 10530, T replaced by G.
Protein change: p.Tyr3510Ter; replaces tyrosine 3510 with a stop codon.
Molecular consequence: nonsense.
Genome position (GRCh38, 1-based): chr12:49,034,277, A>C on the plus strand (T>G on the coding strand, the complement: KMT2D is on the minus strand). VCF-style: chr12-49034277-A-C. GRCh37 (hg19) VCF-style: chr12-49428060-A-C.
Other names: short protein forms Y3510*.
Identifiers: ClinVar variation 4886042 (VCV004886042.2).

ClinVar aggregate classification (germline): Likely pathogenic (1 of 4 stars; one submission).

Submission:

Dasa
Classification: Likely pathogenic. Last evaluated: 2024-10-08. Review status: criteria provided, single submitter. Criteria: DASA Assertion Criteria. Collection method: clinical testing. Allele origin: germline.
Comment: NM_003482.4(KMT2D):c.10530T>G (p.Tyr3510*) is a nonsense variant in KMT2D predicted to introduce a premature termination codon and is predicted to result in an absent or altered protein product. Loss of function is an established disease mechanism for KMT2D (PMID: 20711175; PMID: 21671394; PMID: 21607748). Also, this variant is absent from population databases. Based on the currently available evidence, this variant is classified as likely pathogenic.

Literature cited by the submitters: PubMed 20711175; PubMed 21671394; PubMed 21607748.